The following is an entry in ClinVar:

NM_014956.5(CEP164):c.2772C>G (p.Leu924=)

Gene: CEP164 (centrosomal protein 164; plus strand). Cytogenetic location: 11q23.3.
Variant type: single nucleotide variant.
Coding change: c.2772C>G on transcript NM_014956.5 (MANE Select); coding-DNA position 2772, C replaced by G.
Protein change: p.Leu924=; no amino-acid change (leucine 924 retained).
Molecular consequence: synonymous variant.
Genome position (GRCh38, 1-based): chr11:117,394,931, C>G. VCF-style: chr11-117394931-C-G. GRCh37 (hg19) VCF-style: chr11-117265647-C-G.
Other names: c.2781C>G, p.Leu927= (NM_001271933.2).
Identifiers: ClinVar variation 260480 (VCV000260480.29), dbSNP rs117473319, ClinGen allele CA6295216.

ClinVar aggregate classification (germline): Benign/Likely benign. Review status: criteria provided, multiple submitters, no conflicts (2 of 4 stars). 10 submissions from 10 submitters: Benign (1); Likely benign (7). 2 of the submissions do not count toward it. Last evaluated 2026-02-04.

Conditions:
Nephronophthisis 15 (NPHP15). Identifiers: Orphanet 3156, MedGen C3541853, MONDO:0013917, OMIM 614845.

Allele frequency attached by ClinVar (database versions not stated): 1000 Genomes Project 30x 0.00078; 1000 Genomes Project 0.00080; ExAC 0.00154; gnomAD exomes 0.00174 and 0.00330; gnomAD 0.00198 and 0.00201; ESP Exome Variant Server 0.00200; TOPMed 0.00200.
gnomAD v4.1: 5,093 of 1,614,106 alleles (0.32%); highest among the groups gnomAD compares: Non-Finnish European, 0.4%; 14 homozygotes.

Submissions (10):

Labcorp Genetics (formerly Invitae), Labcorp
Classification: Benign for Nephronophthisis 15. Last evaluated: 2026-02-04. Review status: criteria provided, single submitter. Criteria: Invitae Variant Classification Sherloc (09022015). Collection method: clinical testing. Allele origin: germline.

CeGaT Center for Human Genetics Tuebingen
Classification: Likely benign. Last evaluated: 2026-02-01. Review status: criteria provided, single submitter. Criteria: CeGaT Center For Human Genetics Tuebingen Variant Classification Criteria Version 2. Collection method: clinical testing. Allele origin: germline. Affected: yes. Observed: 3 variant alleles.
Comment: CEP164: BP4, BP7, BS2

Women's Health and Genetics/Laboratory Corporation of America, LabCorp
Classification: Likely benign. Last evaluated: 2025-07-29. Review status: criteria provided, single submitter. Criteria: LabCorp Variant Classification Summary - May 2015. Collection method: clinical testing. Allele origin: germline.

Blueprint Genetics
Classification: Likely benign. Last evaluated: 2024-11-15. Review status: criteria provided, single submitter. Criteria: ACMG Guidelines, 2015. Collection method: clinical testing. Allele origin: germline.

Fulgent Genetics
Classification: Likely benign for Nephronophthisis 15. Last evaluated: 2021-11-08. Review status: criteria provided, single submitter. Criteria: ACMG Guidelines, 2015. Collection method: clinical testing. Allele origin: unknown.

Clinical Genetics DNA and cytogenetics Diagnostics Lab, Erasmus MC, Erasmus Medical Center
Classification: Likely benign for Nephronophthisis 15. Last evaluated: 2017-06-28. Review status: criteria provided, single submitter. Criteria: ACGS Guidelines, 2013. Collection method: clinical testing. Allele origin: germline. Affected: yes. Study: VKGL Data-share Consensus.

Breakthrough Genomics
Classification: Likely benign. Review status: criteria provided, single submitter. Criteria: ACMG Guidelines, 2015. Collection method: not provided. Allele origin: germline. Inheritance: Autosomal recessive inheritance. Affected: yes.

PreventionGenetics, part of Exact Sciences
Classification: Likely benign. Review status: criteria provided, single submitter. Criteria: ACMG Guidelines, 2015. Collection method: clinical testing. Allele origin: germline.

Clinical Genetics, Academic Medical Center
Classification: Benign. Review status: no assertion criteria provided. Collection method: clinical testing. Allele origin: germline. Affected: yes. Study: VKGL Data-share Consensus. Not counted in ClinVar's aggregate classification.

Genome Diagnostics Laboratory, University Medical Center Utrecht
Classification: Likely benign. Review status: no assertion criteria provided. Collection method: clinical testing. Allele origin: germline. Affected: yes. Study: VKGL Data-share Consensus. Not counted in ClinVar's aggregate classification.